The following is an entry in ClinVar:

NM_005633.4(SOS1):c.599C>G (p.Thr200Ser)

Gene: SOS1 (SOS Ras/Rac guanine nucleotide exchange factor 1; minus strand). Cytogenetic location: 2p22.1.
Variant type: single nucleotide variant.
Coding change: c.599C>G on transcript NM_005633.4 (MANE Select); coding-DNA position 599, C replaced by G.
Protein change: p.Thr200Ser; replaces threonine 200 with serine.
Molecular consequence: missense variant.
Genome position (GRCh38, 1-based): chr2:39,054,735, G>C on the plus strand (C>G on the coding strand, the complement: SOS1 is on the minus strand). VCF-style: chr2-39054735-G-C. GRCh37 (hg19) VCF-style: chr2-39281876-G-C.
Other names: c.578C>G, p.Thr193Ser (NM_001382394.1); c.599C>G, p.Thr200Ser (NM_001382395.1); short protein forms T193S, T200S.
Identifiers: ClinVar variation 1334299 (VCV001334299.6), dbSNP rs143007609, ClinGen allele CA1624757.

ClinVar aggregate classification (germline): Uncertain significance. Review status: criteria provided, multiple submitters, no conflicts (2 of 4 stars). 4 submissions from 3 submitters: Uncertain significance (4). Last evaluated 2021-12-23.

Conditions:
Cardiovascular phenotype. Identifiers: MedGen CN230736.
Noonan syndrome and Noonan-related syndrome. Identifiers: Orphanet 98733, MedGen C5681679, MONDO:0020297.
Fibromatosis, gingival, 1 (GINGF1). Identifiers: Orphanet 2024, MedGen C4551558, MONDO:0007609, OMIM 135300.
Noonan syndrome 4 (NS4). Also called: NOONAN SYNDROME WITH PIGMENTED VILLONODULAR SYNOVITIS; SOS1-Related Noonan Syndrome. Identifiers: Orphanet 648, MedGen C1853120, MONDO:0012547, OMIM 610733.

Allele frequency attached by ClinVar (database versions not stated): TOPMed below 0.00001; ExAC 0.00001; gnomAD exomes 0.00001; gnomAD 0.00002 and 0.00003; ESP Exome Variant Server 0.00008.
gnomAD v4.1: 14 of 1,594,270 alleles (0.00088%); highest among the groups gnomAD compares: Non-Finnish European, 0.0006%; no homozygotes.

Submissions (4):

Ambry Genetics
Classification: Uncertain significance for Cardiovascular phenotype. Last evaluated: 2021-12-23. Review status: criteria provided, single submitter. Criteria: Ambry Variant Classification Scheme 2023. Collection method: clinical testing. Allele origin: germline.
Comment: The p.T200S variant (also known as c.599C>G), located in coding exon 5 of the SOS1 gene, results from a C to G substitution at nucleotide position 599. The threonine at codon 200 is replaced by serine, an amino acid with similar properties. This amino acid position is conserved. In addition, this alteration is predicted to be tolerated by in silico analysis. Since supporting evidence is limited at this time, the clinical significance of this alteration remains unclear.

Genome Diagnostics Laboratory, The Hospital for Sick Children
Classification: Uncertain significance for Noonan syndrome and Noonan-related syndrome. Last evaluated: 2017-10-02. Review status: criteria provided, single submitter. Criteria: ACMG Guidelines, 2015. Collection method: clinical testing. Allele origin: germline.

Genome-Nilou Lab
Classification: Uncertain significance for Noonan syndrome 4. Review status: criteria provided, single submitter. Criteria: ACMG Guidelines, 2015. Collection method: clinical testing. Allele origin: germline.

Genome-Nilou Lab
Classification: Uncertain significance for Fibromatosis, gingival, 1. Review status: criteria provided, single submitter. Criteria: ACMG Guidelines, 2015. Collection method: clinical testing. Allele origin: germline.